The following is an entry in ClinVar:

NM_001042492.3(NF1):c.4567T>C (p.Ser1523Pro)

Gene: NF1 (neurofibromin 1; plus strand). Cytogenetic location: 17q11.2.
Variant type: single nucleotide variant.
Coding change: c.4567T>C on transcript NM_001042492.3 (MANE Select); coding-DNA position 4567, T replaced by C.
Protein change: p.Ser1523Pro; replaces serine 1523 with proline.
Molecular consequence: missense variant.
Genome position (GRCh38, 1-based): chr17:31,260,505, T>C. VCF-style: chr17-31260505-T-C. GRCh37 (hg19) VCF-style: chr17-29587523-T-C.
Other names: c.4504T>C, p.Ser1502Pro (NM_000267.4); short protein forms S1502P, S1523P.
Identifiers: ClinVar variation 2129176 (VCV002129176.4), dbSNP rs2508422082, ClinGen allele CA398999932.
Genomic context (GRCh38, chr17:31,260,505, plus strand): 5'-AATGTGCTTGCTTTACATCGTCTACTCTGGAACAATCAGGAGAAAATTGGGCAGTATCTT[T>C]CCAGCAACAGGTAAGATTTCCCAGTCATGGGGATAGTGAACACTCTCCGTTTAAATTTAG-3'
Protein context (NP_001035957.1, residues 1513-1533): NNQEKIGQYL[Ser1523Pro]SNRDHKAVGR

ClinVar aggregate classification (germline): Uncertain significance (1 of 4 stars; one submission).

Conditions:
Neurofibromatosis, type 1 (NF1). Also called: Peripheral type neurofibromatosis; NEUROFIBROMATOSIS, TYPE I, SOMATIC; Neurofibromatosis, type I; VON RECKLINGHAUSEN DISEASE. Identifiers: Orphanet 636, MedGen C0027831, MONDO:0018975, OMIM 162200. Disease mechanism: loss of function.

Submission:

Labcorp Genetics (formerly Invitae), Labcorp
Classification: Uncertain significance for Neurofibromatosis, type 1. Last evaluated: 2024-09-23. Review status: criteria provided, single submitter. Criteria: Invitae Variant Classification Sherloc (09022015). Collection method: clinical testing. Allele origin: germline.
Comment: This sequence change replaces serine, which is neutral and polar, with proline, which is neutral and non-polar, at codon 1502 of the NF1 protein (p.Ser1502Pro). This variant is not present in population databases (gnomAD no frequency). This variant has not been reported in the literature in individuals affected with NF1-related conditions. ClinVar contains an entry for this variant (Variation ID: 2129176). Invitae Evidence Modeling of protein sequence and biophysical properties (such as structural, functional, and spatial information, amino acid conservation, physicochemical variation, residue mobility, and thermodynamic stability) indicates that this missense variant is expected to disrupt NF1 protein function with a positive predictive value of 95%. In summary, the available evidence is currently insufficient to determine the role of this variant in disease. Therefore, it has been classified as a Variant of Uncertain Significance.